The following is an entry in ClinVar:

NM_022464.5(SIL1):c.424G>C (p.Ala142Pro)

Gene: SIL1 (SIL1 nucleotide exchange factor; minus strand). Cytogenetic location: 5q31.2.
Variant type: single nucleotide variant.
Coding change: c.424G>C on transcript NM_022464.5 (MANE Select); coding-DNA position 424, G replaced by C.
Protein change: p.Ala142Pro; replaces alanine 142 with proline.
Molecular consequence: missense variant.
Genome position (GRCh38, 1-based): chr5:139,042,649, C>G on the plus strand (G>C on the coding strand, the complement: SIL1 is on the minus strand). VCF-style: chr5-139042649-C-G. GRCh37 (hg19) VCF-style: chr5-138378338-C-G.
Other names: c.424G>C, p.Ala142Pro (NM_001037633.2); short protein forms A142P.
Identifiers: ClinVar variation 805456 (VCV000805456.7), dbSNP rs142987777, ClinGen allele CA3432591.

ClinVar aggregate classification (germline): Uncertain significance. Review status: criteria provided, multiple submitters, no conflicts (2 of 4 stars). 3 submissions from 3 submitters: Uncertain significance (3). Last evaluated 2025-06-21.

Conditions:
Marinesco-Sjögren syndrome (MSS). Also called: Marinesco-SjÃ¶gren syndrome; Marinesco-Sjogren Syndrome. Identifiers: Orphanet 559, MedGen C0024814, MONDO:0009567, OMIM 248800.

Allele frequency attached by ClinVar (database versions not stated): gnomAD exomes 0.00001 and 0.00003; ExAC 0.00007; gnomAD 0.00016 and 0.00018; TOPMed 0.00018; ESP Exome Variant Server 0.00023.
gnomAD v4.1: 39 of 1,614,030 alleles (0.0024%); highest among the groups gnomAD compares: African/African-American, 0.049%; no homozygotes.

Submissions (3):

GeneDx
Classification: Uncertain significance. Last evaluated: 2025-06-21. Review status: criteria provided, single submitter. Criteria: GeneDx Variant Classification Process June 2021. Collection method: clinical testing. Allele origin: germline. Affected: yes.
Comment: In silico analysis suggests that this missense variant does not alter protein structure/function; Has not been previously published as pathogenic or benign to our knowledge

Labcorp Genetics (formerly Invitae), Labcorp
Classification: Uncertain significance for Marinesco-Sjögren syndrome. Last evaluated: 2024-11-30. Review status: criteria provided, single submitter. Criteria: Invitae Variant Classification Sherloc (09022015). Collection method: clinical testing. Allele origin: germline.
Comment: This sequence change replaces alanine, which is neutral and non-polar, with proline, which is neutral and non-polar, at codon 142 of the SIL1 protein (p.Ala142Pro). This variant is present in population databases (rs142987777, gnomAD 0.06%). This variant has not been reported in the literature in individuals affected with SIL1-related conditions. ClinVar contains an entry for this variant (Variation ID: 805456). Invitae Evidence Modeling of protein sequence and biophysical properties (such as structural, functional, and spatial information, amino acid conservation, physicochemical variation, residue mobility, and thermodynamic stability) indicates that this missense variant is not expected to disrupt SIL1 protein function with a negative predictive value of 80%. In summary, the available evidence is currently insufficient to determine the role of this variant in disease. Therefore, it has been classified as a Variant of Uncertain Significance.

Athena Diagnostics
Classification: Uncertain significance. Last evaluated: 2020-02-14. Review status: criteria provided, single submitter. Criteria: Athena Diagnostics Criteria. Collection method: clinical testing. Allele origin: unknown.